The following is an entry in ClinVar:

ClinVar aggregate classification (germline): Conflicting classifications of pathogenicity. Review status: criteria provided, conflicting classifications (1 of 4 stars). 2 submissions from 2 submitters: Likely pathogenic (1); Uncertain significance (1). Last evaluated 2026-01-20.

Conditions:
Ovarian cancer. Also called: OVARIAN CANCER, SOMATIC. Identifiers: Orphanet 213500, MedGen C1140680, MONDO:0008170, OMIM 167000.

Allele frequency attached by ClinVar (database versions not stated): gnomAD exomes below 0.00001; gnomAD 0.00001; TOPMed 0.00001.
gnomAD v4.1: 8 of 1,209,298 alleles (0.00066%); highest among the groups gnomAD compares: East Asian, 0.0089%; no homozygotes.

Submissions (2):

Women's Health and Genetics/Laboratory Corporation of America, LabCorp
Classification: Uncertain significance. Last evaluated: 2026-01-20. Review status: criteria provided, single submitter. Criteria: LabCorp Variant Classification Summary - May 2015. Collection method: clinical testing. Allele origin: germline.
Comment: Variant summary: AR c.1976A>G (p.Lys659Arg) results in a conservative amino acid change in the encoded protein sequence. Algorithms developed to predict the effect of missense changes on protein structure and function are either unavailable or do not agree on the potential impact of this missense change. The variant allele was found at a frequency of 6.6e-06 in 1209298 control chromosomes, including 4 hemizygotes. However, the available data on variant occurrences in the general population are insufficient to allow any conclusion about variant significance. These data do not allow any conclusion about variant significance. To our knowledge, no experimental evidence demonstrating an impact on protein function has been reported. The following publication has been ascertained in the context of this evaluation (PMID: 39285472). ClinVar contains an entry for this variant (Variation ID: 2445341). Based on the evidence outlined above, the variant was classified as uncertain significance.

Laboratory of Molecular Epidemiology of Birth Defects, West China Second University Hospital, Sichuan University
Classification: Likely pathogenic for Ovarian cancer. Last evaluated: 2022-01-01. Review status: criteria provided, single submitter. Criteria: ACMG Guidelines, 2015. Collection method: clinical testing. Allele origin: germline. Affected: yes.

Literature cited by the submitters: PubMed 39285472 (cited by Women's Health and Genetics/Laboratory Corporation of America, LabCorp).

NM_000044.6(AR):c.1976A>G (p.Lys659Arg)

Gene: AR (androgen receptor; plus strand). Cytogenetic location: Xq12.
Variant type: single nucleotide variant.
Coding change: c.1976A>G on transcript NM_000044.6 (MANE Select); coding-DNA position 1976, A replaced by G.
Protein change: p.Lys659Arg; replaces lysine 659 with arginine.
Molecular consequence: missense variant.
Genome position (GRCh38, 1-based): chrX:67,711,492, A>G. VCF-style: chrX-67711492-A-G. GRCh37 (hg19) VCF-style: chrX-66931334-A-G.
Other names: c.380A>G, p.Lys127Arg (NM_001011645.3); short protein forms K127R, K659R.
Identifiers: ClinVar variation 2445341 (VCV002445341.3), dbSNP rs879021764, ClinGen allele CA330771341.